The following is an entry in ClinVar:

ClinVar aggregate classification (germline): Likely benign (1 of 4 stars; one submission).

Conditions:
BAP1-related tumor predisposition syndrome (TPDS1). Also called: BAP1 tumor predisposition syndrome; Tumor susceptibility linked to germline BAP1 mutations; COMMON Syndrome; TUMOR PREDISPOSITION SYNDROME 1. Identifiers: Orphanet 289539, MedGen C3280492, MONDO:0013692, OMIM 614327.

Submission:

Myriad Genetics, Inc.
Classification: Likely benign for BAP1-related tumor predisposition syndrome. Last evaluated: 2024-07-17. Review status: criteria provided, single submitter. Criteria: Myriad Autosomal Dominant, Autosomal Recessive and X-Linked Classification Criteria (2023). Collection method: clinical testing. Allele origin: unknown.
Comment: This variant is considered likely benign. This variant is intronic and is not expected to impact mRNA splicing.

NM_004656.4(BAP1):c.1984-15T>C

Gene: BAP1 (BRCA1 associated deubiquitinase 1; minus strand). Cytogenetic location: 3p21.1.
Variant type: single nucleotide variant.
Coding change: c.1984-15T>C on transcript NM_004656.4 (MANE Select); 15 bases into the intron before coding-DNA position 1984, T replaced by C.
Molecular consequence: intron variant.
Genome position (GRCh38, 1-based): chr3:52,402,689, A>G on the plus strand (T>C on the coding strand, the complement: BAP1 is on the minus strand). VCF-style: chr3-52402689-A-G. GRCh37 (hg19) VCF-style: chr3-52436705-A-G.
Other names: c.1930-15T>C (NM_001410772.1).
Identifiers: ClinVar variation 3379093 (VCV003379093.1).